The following is an entry in ClinVar:

NM_004006.3(DMD):c.6084T>G (p.Phe2028Leu)

Gene: DMD (dystrophin; minus strand). Cytogenetic location: Xp21.1.
Variant type: single nucleotide variant.
Coding change: c.6084T>G on transcript NM_004006.3 (MANE Select); coding-DNA position 6084, T replaced by G.
Protein change: p.Phe2028Leu; replaces phenylalanine 2028 with leucine.
Molecular consequence: missense variant.
Genome position (GRCh38, 1-based): chrX:32,310,115, A>C on the plus strand (T>G on the coding strand, the complement: DMD is on the minus strand). VCF-style: chrX-32310115-A-C. GRCh37 (hg19) VCF-style: chrX-32328232-A-C.
Other names: c.6060T>G, p.Phe2020Leu (NM_000109.4); c.6072T>G, p.Phe2024Leu (NM_004009.3); c.5715T>G, p.Phe1905Leu (NM_004010.3); c.2061T>G, p.Phe687Leu (NM_004011.4); c.2052T>G, p.Phe684Leu (NM_004012.4); short protein forms F2020L, F2024L, F2028L, F687L, F684L, F1905L.
Identifiers: ClinVar variation 1751473 (VCV001751473.2), dbSNP rs2520266888, ClinGen allele CA412669610.
Genomic context (GRCh38, chrX:32,310,115, plus strand): 5'-ATACGAATGAAAGTGCTTTGGTTTTACCTTCAGAGACTCCTCTTGCTTAAAGAGATCTTC[A>C]AAGTCCTTAGCACAGAGGTCAGGAGCATTGAGAAGTTGTTCCACTTCTAATAGGGCTTGT-3'
Protein context (NP_003997.2, residues 2018-2038): LNAPDLCAKD[Phe2028Leu]EDLFKQEESL

ClinVar aggregate classification (germline): Uncertain significance (1 of 4 stars; one submission).

Conditions:
Cardiovascular phenotype. Identifiers: MedGen CN230736.

Submission:

Ambry Genetics
Classification: Uncertain significance for Cardiovascular phenotype. Last evaluated: 2020-11-25. Review status: criteria provided, single submitter. Criteria: Ambry Variant Classification Scheme 2023. Collection method: clinical testing. Allele origin: germline.
Comment: The p.F2028L variant (also known as c.6084T>G), located in coding exon 42 of the DMD gene, results from a T to G substitution at nucleotide position 6084. The phenylalanine at codon 2028 is replaced by leucine, an amino acid with highly similar properties. This amino acid position is well conserved in available vertebrate species. In addition, this alteration is predicted to be tolerated by in silico analysis. Since supporting evidence is limited at this time, the clinical significance of this alteration remains unclear.